The following is an entry in ClinVar:

NC_000011.10:g.117797226G>A

Gene: DSCAML1 (DS cell adhesion molecule like 1; minus strand). Cytogenetic location: 11q23.3.
Variant type: single nucleotide variant.
Molecular consequence: intron variant (on NM_001367905.1).
Genome position: GRCh38 VCF-style: chr11-117797226-G-A. GRCh37 (hg19) VCF-style: chr11-117667941-G-A.
Other names: c.-362-16416C>T (NM_001367905.1).
Identifiers: ClinVar variation 4725304 (VCV004725304.1).

ClinVar aggregate classification (germline): Uncertain significance (1 of 4 stars; one submission).

Submission:

Labcorp Genetics (formerly Invitae), Labcorp
Classification: Uncertain significance. Last evaluated: 2025-08-17. Review status: criteria provided, single submitter. Criteria: Invitae Variant Classification Sherloc (09022015). Collection method: clinical testing. Allele origin: germline.
Comment: This sequence change replaces proline, which is neutral and non-polar, with serine, which is neutral and polar, at codon 12 of the DSCAML1 protein (p.Pro12Ser). This variant is not present in population databases (gnomAD no frequency). This variant has not been reported in the literature in individuals affected with DSCAML1-related conditions. Experimental studies and prediction algorithms are not available or were not evaluated, and the functional significance of this variant is currently unknown. In summary, the available evidence is currently insufficient to determine the role of this variant in disease. Therefore, it has been classified as a Variant of Uncertain Significance.